The following is an entry in ClinVar:

NM_018063.5(HELLS):c.1033-9G>A

Gene: HELLS (helicase, lymphoid specific; plus strand). Cytogenetic location: 10q23.33.
Variant type: single nucleotide variant.
Coding change: c.1033-9G>A on transcript NM_018063.5 (MANE Select); 9 bases into the intron before coding-DNA position 1033, G replaced by A.
Molecular consequence: intron variant.
Genome position (GRCh38, 1-based): chr10:94,581,317, G>A. VCF-style: chr10-94581317-G-A. GRCh37 (hg19) VCF-style: chr10-96341074-G-A.
Other names: c.661-9G>A (NM_001289071.2); c.1033-9G>A (NM_001289067.2); c.12-1646G>A (NM_001289075.2); c.1032+4512G>A (NM_001289070.2); c.-51-9G>A (NM_001289074.2); c.937-9G>A (NM_001289069.2); c.936+4608G>A (NM_001289072.2); c.619-9G>A (NM_001289073.2); and 1 more.
Identifiers: ClinVar variation 752928 (VCV000752928.13), dbSNP rs373019228, ClinGen allele CA5615421.

ClinVar aggregate classification (germline): Likely benign. Review status: criteria provided, multiple submitters, no conflicts (2 of 4 stars). 3 submissions from 3 submitters: Likely benign (2). 1 of the submissions does not count toward it. Last evaluated 2026-01-20.

Conditions:
HELLS-related disorder. Also called: HELLS-related condition.

Allele frequency attached by ClinVar (database versions not stated): TOPMed 0.00002; ExAC 0.00003; gnomAD exomes 0.00004; gnomAD 0.00005 and 0.00006; ESP Exome Variant Server 0.00008.
gnomAD v4.1: 94 of 1,492,164 alleles (0.0063%); highest among the groups gnomAD compares: Middle Eastern, 0.018%; no homozygotes.

Submissions (3):

Labcorp Genetics (formerly Invitae), Labcorp
Classification: Likely benign. Last evaluated: 2026-01-20. Review status: criteria provided, single submitter. Criteria: Invitae Variant Classification Sherloc (09022015). Collection method: clinical testing. Allele origin: germline.

Breakthrough Genomics
Classification: Likely benign. Review status: criteria provided, single submitter. Criteria: ACMG Guidelines, 2015. Collection method: not provided. Allele origin: germline. Inheritance: Autosomal recessive inheritance. Affected: yes.

PreventionGenetics, part of Exact Sciences
Classification: Likely benign for HELLS-related condition. Last evaluated: 2019-04-08. Review status: no assertion criteria provided. Collection method: clinical testing. Allele origin: germline. Not counted in ClinVar's aggregate classification.
Comment: This variant is classified as likely benign based on ACMG/AMP sequence variant interpretation guidelines (Richards et al. 2015 PMID: 25741868, with internal and published modifications).